The following is an entry in ClinVar:

ClinVar aggregate classification (germline): Likely benign (0 of 4 stars; one submission).

Conditions:
FBXO2-related disorder. Also called: FBXO2-related condition.

Submission:

PreventionGenetics, part of Exact Sciences
Classification: Likely benign for FBXO2-related condition. Last evaluated: 2020-01-21. Review status: no assertion criteria provided. Collection method: clinical testing. Allele origin: germline.
Comment: This variant is classified as likely benign based on ACMG/AMP sequence variant interpretation guidelines (Richards et al. 2015 PMID: 25741868, with internal and published modifications).

NM_012168.6(FBXO2):c.103CAG[3] (p.Gln36_Glu37insGln)

Gene: FBXO2 (F-box protein 2; minus strand). Cytogenetic location: 1p36.22.
Variant type: Microsatellite.
Coding change: c.103CAG[3] on transcript NM_012168.6 (MANE Select); three copies in a row of the 3-base unit CAG starting at c.103; the reference has two copies in a row; one copy, 3 bases duplicated.
Protein change: p.Gln36_Glu37insGln.
Genome position (GRCh38, 1-based): chr1:11,650,749-11,650,751, CTG duplicated on the plus strand (CAG on the coding strand, the reverse complement: FBXO2 is on the minus strand); duplicating any 3 consecutive bases within chr1:11,650,749-11,650,754 gives the same sequence; the position shown is the placement nearest the transcript's 3' end. VCF-style (leftmost placement, unchanged base first): chr1-11650748-C-CCTG. GRCh37 (hg19) VCF-style: chr1-11710805-C-CCTG.
Identifiers: ClinVar variation 3044190 (VCV003044190.2), dbSNP rs758438947, ClinGen allele CA592962.
Genomic context (GRCh38, chr1:11,650,748, plus strand): 5'-GCAGCAGCAGCGGCTCGGGCAGCTCGTCCAGGTACGCGGCGGCGGCCGCCGCCTCCTCCT[C>CCTG]CTGCTGGTCCTCCGGCCGCTCCTCCTCAGCACTCGCCTCCTCTGGCTGCTCCTCCGGGCT-3'